The following is an entry in ClinVar:

ClinVar aggregate classification (germline): Pathogenic. Review status: criteria provided, single submitter (1 of 4 stars). 3 submissions from 3 submitters: Pathogenic (1). 2 of the submissions do not count toward it. Last evaluated 2025-07-27.

Conditions:
Bailey-Bloch congenital myopathy (CMYO13). Also called: Native American myopathy; Congenital myopathy 13; STAC3 disorder. Identifiers: Orphanet 168572, MedGen C1850625, MONDO:0009722, OMIM 255995.

Submissions (3):

Labcorp Genetics (formerly Invitae), Labcorp
Classification: Pathogenic for Bailey-Bloch congenital myopathy. Last evaluated: 2025-07-27. Review status: criteria provided, single submitter. Criteria: Invitae Variant Classification Sherloc (09022015). Collection method: clinical testing. Allele origin: germline.
Comment: This sequence change creates a premature translational stop signal (p.Leu255Ilefs*58) in the STAC3 gene. It is expected to result in an absent or disrupted protein product. Loss-of-function variants in STAC3 are known to be pathogenic (PMID: 28411587, 28777491). This variant is present in population databases (rs773050511, gnomAD 0.007%). This premature translational stop signal has been observed in individual(s) with STAC3-related conditions (PMID: 28777491). In at least one individual the data is consistent with being in trans (on the opposite chromosome) from a pathogenic variant. It has also been observed to segregate with disease in related individuals. Algorithms developed to predict the effect of sequence changes on RNA splicing suggest that this variant may disrupt the consensus splice site. For these reasons, this variant has been classified as Pathogenic.

OMIM
Classification: Pathogenic for CONGENITAL MYOPATHY 13. Last evaluated: 2024-07-16. Review status: no assertion criteria provided. Collection method: literature only. Allele origin: germline. Not counted in ClinVar's aggregate classification.

GeneReviews
No classification provided. Condition: Bailey-Bloch congenital myopathy. Review status: no classification provided. Collection method: literature only. Allele origin: germline. Not counted in ClinVar's aggregate classification.

Literature cited by the submitters: PubMed 28411587 (cited by Labcorp Genetics (formerly Invitae), Labcorp); PubMed 28777491 (cited by 3 submitters); PubMed 31219695 (cited by GeneReviews).

NM_145064.3(STAC3):c.763_766del (p.Leu255fs)

Gene: STAC3 (SH3 and cysteine rich domain 3; minus strand). Cytogenetic location: 12q13.3.
Variant type: Microsatellite.
Coding change: c.763_766del on transcript NM_145064.3 (MANE Select); coding-DNA positions 763 to 766, 4 bases deleted (CTCT; older notation c.763_766delCTCT).
Protein change: p.Leu255fs; shifts the reading frame from leucine 255.
Molecular consequence: frameshift variant. On other transcripts: non-coding transcript variant (1).
Genome position (GRCh38, 1-based): chr12:57,244,577-57,244,580, AGAG deleted on the plus strand (CTCT on the coding strand, the reverse complement: STAC3 is on the minus strand); deleting any 4 consecutive bases within chr12:57,244,577-57,244,582 gives the same sequence; the c. name uses the placement nearest the transcript's 3' end. VCF-style (leftmost placement, unchanged base first): chr12-57244576-TAGAG-T. GRCh37 (hg19) VCF-style: chr12-57638359-TAGAG-T.
Other names: c.646_649del, p.Leu216fs (NM_001286256.2); c.205_208del, p.Leu69fs (NM_001286257.2); short protein forms L255fs, L216fs, L69fs.
Identifiers: ClinVar variation 559850 (VCV000559850.10), dbSNP rs773050511, ClinGen allele CA6647007.